The following is an entry in ClinVar:

ClinVar aggregate classification (germline): Benign. Review status: criteria provided, multiple submitters, no conflicts (2 of 4 stars). 3 submissions from 3 submitters: Benign (2). 1 of the submissions does not count toward it. Last evaluated 2026-01-27.

Conditions:
FCSK-related disorder. Also called: FCSK-related condition.

Allele frequency attached by ClinVar (database versions not stated): gnomAD exomes 0.00293 and 0.00751; ExAC 0.00894; ESP Exome Variant Server 0.03081; gnomAD 0.03212 and 0.03443; TOPMed 0.03523; 1000 Genomes Project 0.03574; 1000 Genomes Project 30x 0.03966.
gnomAD v4.1: 9,335 of 1,613,884 alleles (0.58%); highest among the groups gnomAD compares: African/African-American, 11%; 523 homozygotes.

Submissions (3):

Labcorp Genetics (formerly Invitae), Labcorp
Classification: Benign. Last evaluated: 2026-01-27. Review status: criteria provided, single submitter. Criteria: Invitae Variant Classification Sherloc (09022015). Collection method: clinical testing. Allele origin: germline.

Breakthrough Genomics
Classification: Benign. Review status: criteria provided, single submitter. Criteria: ACMG Guidelines, 2015. Collection method: not provided. Allele origin: germline. Inheritance: Autosomal recessive inheritance. Affected: yes.

PreventionGenetics, part of Exact Sciences
Classification: Benign for FCSK-related condition. Last evaluated: 2019-06-17. Review status: no assertion criteria provided. Collection method: clinical testing. Allele origin: germline. Not counted in ClinVar's aggregate classification.
Comment: This variant is classified as benign based on ACMG/AMP sequence variant interpretation guidelines (Richards et al. 2015 PMID: 25741868, with internal and published modifications).

NM_145059.3(FCSK):c.12G>A (p.Pro4=)

Gene: FCSK (fucose kinase; plus strand). Cytogenetic location: 16q22.1.
Variant type: single nucleotide variant.
Coding change: c.12G>A on transcript NM_145059.3 (MANE Select); coding-DNA position 12, G replaced by A.
Protein change: p.Pro4=; no amino-acid change (proline 4 retained).
Molecular consequence: synonymous variant.
Genome position (GRCh38, 1-based): chr16:70,463,202, G>A. VCF-style: chr16-70463202-G-A. GRCh37 (hg19) VCF-style: chr16-70497105-G-A.
Identifiers: ClinVar variation 785536 (VCV000785536.13), dbSNP rs8044110, ClinGen allele CA8142692.